The following is an entry in ClinVar:

ClinVar aggregate classification (germline): Uncertain significance. Review status: criteria provided, multiple submitters, no conflicts (2 of 4 stars). 7 submissions from 7 submitters: Uncertain significance (7). Last evaluated 2025-12-31.

Conditions:
Dilated cardiomyopathy 1G (CMD1G). Identifiers: Orphanet 154, MedGen C1858763, MONDO:0011400, OMIM 604145.
Autosomal recessive limb-girdle muscular dystrophy type 2J (LGMDR10). Also called: Limb-girdle muscular dystrophy, type 2J; MUSCULAR DYSTROPHY, LIMB-GIRDLE, AUTOSOMAL RECESSIVE 10. Identifiers: Orphanet 140922, MedGen C1837342, MONDO:0012127, OMIM 608807.
TTN-related disorder. Also called: TTN-related condition; TTN-related disease; TTN-related disorders.
Tibial muscular dystrophy (TMD). Also called: Udd Distal Myopathy – Tibial Muscular Dystrophy; UDD MYOPATHY; Tibial muscular dystrophy, tardive. Identifiers: Orphanet 609, MedGen C1838244, MONDO:0010870, OMIM 600334.
Myopathy, myofibrillar, 9, with early respiratory failure (MFM9). Also called: Hereditary myopathy with early respiratory failure; EDSTROM MYOPATHY; MYOPATHY, PROXIMAL, WITH EARLY RESPIRATORY MUSCLE INVOLVEMENT; Myopathy, distal, with early respiratory failure, autosomal dominant. Identifiers: Orphanet 178464, Orphanet 34521, MedGen C1863599, MONDO:0011362, OMIM 603689.
Hypertrophic cardiomyopathy 9. Also called: Familial hypertrophic cardiomyopathy 9. Identifiers: MedGen C1861065, MONDO:0013412, OMIM 613765.
Early-onset myopathy with fatal cardiomyopathy (CMYO5). Also called: CONGENITAL MYOPATHY 5 WITH CARDIOMYOPATHY; Salih Myopathy. Identifiers: Orphanet 289377, MedGen C2673677, MONDO:0012714, OMIM 611705. Disease mechanism: loss of function.

Allele frequency attached by ClinVar (database versions not stated): gnomAD below 0.00001 and 0.00001; TOPMed 0.00002; gnomAD exomes 0.00003 and 0.00004; ExAC 0.00005; ESP Exome Variant Server 0.00008.
gnomAD v4.1: 55 of 1,612,048 alleles (0.0034%); highest among the groups gnomAD compares: Admixed American, 0.0067%; no homozygotes.

Submissions (7):

PreventionGenetics, part of Exact Sciences
Classification: Uncertain significance for TTN-related condition. Last evaluated: 2025-12-31. Review status: criteria provided, single submitter. Criteria: ACMG Guidelines, 2015. Collection method: clinical testing. Allele origin: germline.
Comment: The TTN c.45001A>C variant is predicted to result in the amino acid substitution p.Asn15001His. To our knowledge, this variant has not been reported in the literature. This variant is reported in 0.0088% of alleles in individuals of Latino descent in gnomAD. At this time, the clinical significance of this variant is uncertain due to the absence of conclusive functional and genetic evidence.

Revvity Omics, Revvity
Classification: Uncertain significance. Last evaluated: 2025-01-06. Review status: criteria provided, single submitter. Criteria: ACMG Guidelines, 2015. Collection method: clinical testing. Allele origin: germline.

ARUP Laboratories, Molecular Genetics and Genomics, ARUP Laboratories
Classification: Uncertain significance. Last evaluated: 2024-05-06. Review status: criteria provided, single submitter. Criteria: ARUP Molecular Germline Variant Investigation Process 2024. Collection method: clinical testing. Allele origin: germline.
Comment: The TTN c.45001A>C; p.Asn15001His variant (rs373109469; ClinVar Variation ID: 17212) is rare in the general population (<0.2% allele frequency in the Genome Aggregation Database) and has not been reported in the medical literature in association with dilated cardiomyopathy (DCM) or other TTN-related disease. The clinical relevance of rare missense variants in this gene, which are identified on average once per individual sequenced in affected populations (Herman 2012), is not well understood. Yet, evidence suggests that the vast majority of such missense variants do not contribute to the clinical outcome of DCM (Begay 2015). Thus, the clinical significance of the p.Asn15001His variant cannot be determined with certainty. References: Begay RL et al. Role of Titin Missense Variants in Dilated Cardiomyopathy. J Am Heart Assoc. 2015 Nov 13;4(11). PMID: 26567375. Herman DS et al. Truncations of titin causing dilated cardiomyopathy. N Engl J Med. 2012 Feb 16;366(7):619-28. PMID: 22335739. Linke WA and Hamdani N. Gigantic business: titin properties and function through thick and thin. Circ Res 2014; 114(6): 1052-1068. PMID: 24625729.

Fulgent Genetics
Classification: Uncertain significance for Tibial muscular dystrophy; Myopathy, myofibrillar, 9, with early respiratory failure; Dilated cardiomyopathy 1G; Autosomal recessive limb-girdle muscular dystrophy type 2J; Early-onset myopathy with fatal cardiomyopathy; Hypertrophic cardiomyopathy 9. Last evaluated: 2018-10-31. Review status: criteria provided, single submitter. Criteria: ACMG Guidelines, 2015. Collection method: clinical testing. Allele origin: unknown.

Labcorp Genetics (formerly Invitae), Labcorp
Classification: Uncertain significance for Dilated cardiomyopathy 1G; Autosomal recessive limb-girdle muscular dystrophy type 2J. Last evaluated: 2017-04-07. Review status: criteria provided, single submitter. Criteria: Invitae Variant Classification Sherloc (09022015). Collection method: clinical testing. Allele origin: germline.

Eurofins Ntd Llc (ga)
Classification: Uncertain significance. Last evaluated: 2017-02-27. Review status: criteria provided, single submitter. Criteria: EGL Classification Definitions 2015. Collection method: clinical testing. Allele origin: germline. Observed: 3 variant alleles, 3 heterozygotes.

Laboratory for Molecular Medicine, Mass General Brigham Personalized Medicine
Classification: Uncertain significance. Last evaluated: 2014-11-28. Review status: criteria provided, single submitter. Criteria: LMM Criteria. Collection method: clinical testing. Allele origin: germline. Observed: 1 variant allele.
Comment: The p.Asn12433His variant in TTN has not been previously reported in individuals with cardiomyopathy, but has been identified in 1/8260 European American chromo somes by the NHLBI Exome Sequencing Project (dbSNP rs373109469). The affected amino acid is poorly conserved in evolution and many fish species carry a Histidine (His), raising the possibility that this ch ange is benign. However, additional data is needed to establish this variant's clinical significance.

NM_001267550.2(TTN):c.45001A>C (p.Asn15001His)

Genes: TTN (titin; minus strand), LOC126806427 (BRD4-independent group 4 enhancer GRCh37_chr2:179485777-179486976; plus strand). Cytogenetic location: 2q31.2.
Variant type: single nucleotide variant.
Coding change: c.45001A>C on transcript NM_001267550.2 (MANE Select); coding-DNA position 45001, A replaced by C.
Protein change: p.Asn15001His; replaces asparagine 15001 with histidine.
Molecular consequence: missense variant.
Genome position (GRCh38, 1-based): chr2:178,621,921, T>G on the plus strand (A>C on the coding strand, the complement: TTN is on the minus strand). VCF-style: chr2-178621921-T-G. GRCh37 (hg19) VCF-style: chr2-179486648-T-G.
Other names: c.37297A>C, p.Asn12433His (NM_133378.4); c.40078A>C, p.Asn13360His (NM_001256850.1); c.17806A>C, p.Asn5936His (NM_003319.4); c.18181A>C, p.Asn6061His (NM_133432.3); c.18382A>C, p.Asn6128His (NM_133437.4); short protein forms N12433H, N15001H, N13360H, N5936H, N6061H, N6128H.
Identifiers: ClinVar variation 178212 (VCV000178212.17), dbSNP rs373109469, ClinGen allele CA181801.